The following is an entry in ClinVar:

NM_004369.4(COL6A3):c.6766G>A (p.Ala2256Thr)

Gene: COL6A3 (collagen type VI alpha 3 chain; minus strand). Cytogenetic location: 2q37.3.
Variant type: single nucleotide variant.
Coding change: c.6766G>A on transcript NM_004369.4 (MANE Select); coding-DNA position 6766, G replaced by A.
Protein change: p.Ala2256Thr; replaces alanine 2256 with threonine.
Molecular consequence: missense variant.
Genome position (GRCh38, 1-based): chr2:237,351,180, C>T on the plus strand (G>A on the coding strand, the complement: COL6A3 is on the minus strand). VCF-style: chr2-237351180-C-T. GRCh37 (hg19) VCF-style: chr2-238259823-C-T.
Other names: c.4945G>A, p.Ala1649Thr (NM_057166.5); c.6148G>A, p.Ala2050Thr (NM_057167.4); short protein forms A2256T, A1649T, A2050T.
Identifiers: ClinVar variation 942771 (VCV000942771.13), dbSNP rs745877985, ClinGen allele CA2188090.
Genomic context (GRCh38, chr2:237,351,180, plus strand): 5'-AAAGACAAACCTTTCTTCCCAGTGGACCGGTTCTGCCTCGTTCTCCAGGAGCACCAGCGG[C>T]ACCTCCGCTTCCCTGGAGCAGGAGGGGAGGAATGTGTCAGTGAAGTGGCCAACCGTCCAG-3'
Protein context (NP_004360.2, residues 2246-2266): GISGPRGSGG[Ala2256Thr]AGAPGERGRT

ClinVar aggregate classification (germline): Conflicting classifications of pathogenicity. Review status: criteria provided, conflicting classifications (1 of 4 stars). 4 submissions from 4 submitters: Uncertain significance (2); Likely benign (2). Last evaluated 2025-12-12.

Conditions:
COL6A3-related disorder. Also called: COL6A3-related condition; COL6A3-related disorders.
Inborn genetic diseases. Identifiers: MedGen C0950123, MeSH D030342.
Bethlem myopathy 1A. Also called: Bethlem myopathy 1; MYOPATHY, BENIGN CONGENITAL, WITH CONTRACTURES; Bethlem Muscular Dystrophy. Identifiers: Orphanet 610, MedGen CN029274, MONDO:0024530, OMIM 158810.

Allele frequency attached by ClinVar (database versions not stated): gnomAD exomes below 0.00001 and 0.00001; gnomAD 0.00001; TOPMed 0.00001; ExAC 0.00002.
gnomAD v4.1: 14 of 1,614,112 alleles (0.00087%); highest among the groups gnomAD compares: Middle Eastern, 0.016%; no homozygotes.

Submissions (4):

Labcorp Genetics (formerly Invitae), Labcorp
Classification: Likely benign for Bethlem myopathy 1A. Last evaluated: 2025-12-12. Review status: criteria provided, single submitter. Criteria: Invitae Variant Classification Sherloc (09022015). Collection method: clinical testing. Allele origin: germline.

PreventionGenetics, part of Exact Sciences
Classification: Uncertain significance for COL6A3-related condition. Last evaluated: 2025-09-26. Review status: criteria provided, single submitter. Criteria: ACMG Guidelines, 2015. Collection method: clinical testing. Allele origin: germline.
Comment: The COL6A3 c.6766G>A variant is predicted to result in the amino acid substitution p.Ala2256Thr. To our knowledge, this variant has not been reported in the literature. This variant is reported in 0.011% of alleles in individuals of East Asian descent in gnomAD. At this time, the clinical significance of this variant is uncertain due to the absence of conclusive functional and genetic evidence.

Ambry Genetics
Classification: Likely benign for Inborn genetic diseases. Last evaluated: 2025-08-31. Review status: criteria provided, single submitter. Criteria: Ambry Variant Classification Scheme 2023. Collection method: clinical testing. Allele origin: germline.

Revvity Omics, Revvity
Classification: Uncertain significance. Last evaluated: 2024-05-03. Review status: criteria provided, single submitter. Criteria: ACMG Guidelines, 2015. Collection method: clinical testing. Allele origin: germline.